The following is an entry in ClinVar:

ClinVar aggregate classification (germline): Pathogenic (1 of 4 stars; one submission).

Conditions:
GLB1-related disorder. Also called: GLB1-related disorders. Identifiers: MedGen CN377807.

Submission:

Myriad Genetics, Inc.
Classification: Pathogenic for GLB1-related disorder. Last evaluated: 2026-07-21. Review status: criteria provided, single submitter. Criteria: Myriad Autosomal Dominant, Autosomal Recessive and X-Linked Classification Criteria (2023). Collection method: clinical testing. Allele origin: unknown.
Comment: NM_000404.2(GLB1):c.711C>A(Y237*) is a nonsense variant classified as pathogenic in the context of GLB1-related disorders. Y237* has not been observed in cases with relevant disease. Relevant functional assessments of this variant are not available in the literature. Y237* has not been observed in referenced population frequency databases. In summary, NM_000404.2(GLB1):c.711C>A(Y237*) is a nonsense variant in a gene where loss of function is a known mechanism of disease and is predicted to disrupt protein function. Please note: this variant was assessed in the context of healthy population screening.

NM_000404.4(GLB1):c.711C>A (p.Tyr237Ter)

Gene: GLB1 (galactosidase beta 1; minus strand). Cytogenetic location: 3p22.3.
Variant type: single nucleotide variant.
Coding change: c.711C>A on transcript NM_000404.4 (MANE Select); coding-DNA position 711, C replaced by A.
Protein change: p.Tyr237Ter; replaces tyrosine 237 with a stop codon.
Molecular consequence: nonsense. On other transcripts: intron variant (1).
Genome position (GRCh38, 1-based): chr3:33,058,111, G>T on the plus strand (C>A on the coding strand, the complement: GLB1 is on the minus strand). VCF-style: chr3-33058111-G-T. GRCh37 (hg19) VCF-style: chr3-33099603-G-T.
Other names: c.621C>A, p.Tyr207Ter (NM_001079811.3); c.855C>A, p.Tyr285Ter (NM_001317040.2); c.711C>A, p.Tyr237Ter (NM_001393580.1); c.341-4562C>A (NM_001135602.3); short protein forms Y285*, Y237*, Y207*.
Identifiers: ClinVar variation 5004801 (VCV005004801.1).